The following is an entry in ClinVar:

NM_002439.5(MSH3):c.903A>T (p.Gly301=)

Gene: MSH3 (mutS homolog 3; plus strand). Cytogenetic location: 5q14.1.
Variant type: single nucleotide variant.
Coding change: c.903A>T on transcript NM_002439.5 (MANE Select); coding-DNA position 903, A replaced by T.
Protein change: p.Gly301=; no amino-acid change (glycine 301 retained).
Molecular consequence: synonymous variant.
Genome position (GRCh38, 1-based): chr5:80,672,354, A>T. VCF-style: chr5-80672354-A-T. GRCh37 (hg19) VCF-style: chr5-79968173-A-T.
Identifiers: ClinVar variation 1765553 (VCV001765553.7), dbSNP rs760083496, ClinGen allele CA445158898.

ClinVar aggregate classification (germline): Conflicting classifications of pathogenicity. Review status: criteria provided, conflicting classifications (1 of 4 stars). 2 submissions from 2 submitters: Uncertain significance (1); Likely benign (1). Last evaluated 2024-11-05.

Conditions:
Hereditary cancer-predisposing syndrome. Also called: Neoplastic Syndromes, Hereditary; Tumor predisposition; Hereditary Cancer Syndrome; Hereditary neoplastic syndrome. Identifiers: Orphanet 140162, MedGen C0027672, MeSH D009386, MONDO:0015356.

Submissions (3):

Labcorp Genetics (formerly Invitae), Labcorp
Classification: Likely benign. Last evaluated: 2024-11-05. Review status: criteria provided, single submitter. Criteria: Invitae Variant Classification Sherloc (09022015). Collection method: clinical testing. Allele origin: germline.

Ambry Genetics
Classification: Uncertain significance for Hereditary cancer-predisposing syndrome. Last evaluated: 2022-10-31. Review status: criteria provided, single submitter. Criteria: Ambry Variant Classification Scheme 2023. Collection method: clinical testing. Allele origin: germline.
Comment: The c.903A>T variant (also known as p.G301G), located in coding exon 5 of the MSH3 gene, results from an A to T substitution at nucleotide position 903. This nucleotide substitution does not change the amino acid at codon 301. This nucleotide position is not well conserved in available vertebrate species. In silico splice site analysis for this alteration is inconclusive. Since supporting evidence is limited at this time, the clinical significance of this alteration remains unclear.

Dr. Peter K. Rogan Lab, Western University
No classification provided (evidence only). Condition: Gastric cancer. Review status: no classification provided. Collection method: in vitro. Allele origin: not applicable. Functional consequence: retained intron. Not counted in ClinVar's aggregate classification.